The following is an entry in ClinVar:

ClinVar aggregate classification (germline): Likely benign (1 of 4 stars; one submission).

Allele frequency attached by ClinVar (database versions not stated): 1000 Genomes Project 0.00060; 1000 Genomes Project 30x 0.00078; TOPMed 0.00142; gnomAD 0.00153; ExAC 0.00191; ESP Exome Variant Server 0.00192; gnomAD exomes 0.00229.

Submission:

CeGaT Center for Human Genetics Tuebingen
Classification: Likely benign. Last evaluated: 2022-05-01. Review status: criteria provided, single submitter. Criteria: CeGaT Center For Human Genetics Tuebingen Variant Classification Criteria Version 2. Collection method: clinical testing. Allele origin: germline. Affected: yes. Observed: 1 variant allele.
Comment: DDX49: BP4, BP7

NM_019070.5(DDX49):c.171C>T (p.Val57=)

Gene: DDX49 (DEAD-box helicase 49; plus strand). Cytogenetic location: 19p13.11.
Variant type: single nucleotide variant.
Coding change: c.171C>T on transcript NM_019070.5 (MANE Select); coding-DNA position 171, C replaced by T.
Protein change: p.Val57=; no amino-acid change (valine 57 retained).
Molecular consequence: synonymous variant.
Genome position (GRCh38, 1-based): chr19:18,920,635, C>T. VCF-style: chr19-18920635-C-T. GRCh37 (hg19) VCF-style: chr19-19031444-C-T.
Identifiers: ClinVar variation 2649602 (VCV002649602.24), dbSNP rs34332105, ClinGen allele CA9318858.